The following is an entry in ClinVar:

ClinVar aggregate classification (germline): Pathogenic (1 of 4 stars; one submission).

Submission:

Labcorp Genetics (formerly Invitae), Labcorp
Classification: Pathogenic. Last evaluated: 2022-07-05. Review status: criteria provided, single submitter. Criteria: Invitae Variant Classification Sherloc (09022015). Collection method: clinical testing. Allele origin: germline.
Comment: This sequence change creates a premature translational stop signal (p.Cys2701*) in the PKD1L1 gene. It is expected to result in an absent or disrupted protein product. Loss-of-function variants in PKD1L1 are known to be pathogenic (PMID: 27616478). This variant is not present in population databases (gnomAD no frequency). This variant has not been reported in the literature in individuals affected with PKD1L1-related conditions. For these reasons, this variant has been classified as Pathogenic.

Literature cited by the submitters: PubMed 27616478.

NM_138295.5(PKD1L1):c.8103C>A (p.Cys2701Ter)

Genes: PKD1L1 (polycystin 1 like 1, transient receptor potential channel interacting; minus strand), PKD1L1-AS1 (PKD1L1 antisense RNA 1; plus strand). Cytogenetic location: 7p12.3.
Variant type: single nucleotide variant.
Coding change: c.8103C>A on transcript NM_138295.5 (MANE Select); coding-DNA position 8103, C replaced by A.
Protein change: p.Cys2701Ter; replaces cysteine 2701 with a stop codon.
Molecular consequence: nonsense.
Genome position (GRCh38, 1-based): chr7:47,800,739, G>T on the plus strand (C>A on the coding strand, the complement: PKD1L1 is on the minus strand). VCF-style: chr7-47800739-G-T. GRCh37 (hg19) VCF-style: chr7-47840337-G-T.
Other names: short protein forms C2701*.
Identifiers: ClinVar variation 2066496 (VCV002066496.1), dbSNP rs1312358074, ClinGen allele CA367466741.